The following is an entry in ClinVar:

NM_030777.4(SLC2A10):c.848C>A (p.Ala283Asp)

Gene: SLC2A10 (solute carrier family 2 member 10; plus strand). Cytogenetic location: 20q13.12.
Variant type: single nucleotide variant.
Coding change: c.848C>A on transcript NM_030777.4 (MANE Select); coding-DNA position 848, C replaced by A.
Protein change: p.Ala283Asp; replaces alanine 283 with aspartic acid.
Molecular consequence: missense variant.
Genome position (GRCh38, 1-based): chr20:46,725,884, C>A. VCF-style: chr20-46725884-C-A. GRCh37 (hg19) VCF-style: chr20-45354523-C-A.
Other names: p.A283D:GCT>GAT; p.Ala283Asp; short protein forms A283D.
Identifiers: ClinVar variation 213748 (VCV000213748.21), dbSNP rs145994112, ClinGen allele CA322287.

ClinVar aggregate classification (germline): Conflicting classifications of pathogenicity. Review status: criteria provided, conflicting classifications (1 of 4 stars). 6 submissions from 6 submitters: Likely pathogenic (3); Uncertain significance (3). Last evaluated 2026-06-17.

Conditions:
SLC2A10-related disorder. Also called: SLC2A10-related condition.
Familial thoracic aortic aneurysm and aortic dissection (TAAD). Also called: Thoracic aortic aneurysms and dissections. Identifiers: Orphanet 91387, MedGen C4707243, MONDO:0019625.
Arterial tortuosity syndrome (ATORS). Identifiers: Orphanet 3342, MedGen C1859726, MONDO:0008818, OMIM 208050.

Allele frequency attached by ClinVar (database versions not stated): ExAC 0.00002; gnomAD 0.00003 and 0.00004; TOPMed 0.00003; ESP Exome Variant Server 0.00015.
gnomAD v4.1: 89 of 1,614,080 alleles (0.0055%); highest among the groups gnomAD compares: Non-Finnish European, 0.007%; no homozygotes.

Submissions (6):

Women's Health and Genetics/Laboratory Corporation of America, LabCorp
Classification: Uncertain significance. Last evaluated: 2026-06-17. Review status: criteria provided, single submitter. Criteria: LabCorp Variant Classification Summary - May 2015. Collection method: clinical testing. Allele origin: germline.
Comment: Variant summary: SLC2A10 c.848C>A (p.Ala283Asp) results in a non-conservative amino acid change in the encoded protein sequence. Algorithms developed to predict the effect of missense changes on protein structure and function are either unavailable or do not agree on the potential impact of this missense change. The variant allele was found at a frequency of 1.6e-05 in 251130 control chromosomes. The available data on variant occurrences in the general population are insufficient to allow any conclusion about variant significance. c.848C>A has been observed in at least one homozygous individual(s) affected with SLC2A10-related conditions (Hardin_2018). These data do not allow any conclusion about variant significance. To our knowledge, no experimental evidence demonstrating an impact on protein function has been reported. The following publications have been ascertained in the context of this evaluation (PMID: 28726533, 38265806). ClinVar contains an entry for this variant (Variation ID: 213748). Based on the evidence outlined above, the variant was classified as uncertain significance.

Ambry Genetics
Classification: Likely pathogenic for Familial thoracic aortic aneurysm and aortic dissection. Last evaluated: 2025-07-30. Review status: criteria provided, single submitter. Criteria: Ambry Variant Classification Scheme 2023. Collection method: clinical testing. Allele origin: germline.
Comment: The p.A283D variant (also known as c.848C>A), located in coding exon 2 of the SLC2A10 gene, results from a C to A substitution at nucleotide position 848. The alanine at codon 283 is replaced by aspartic acid, an amino acid with dissimilar properties. This variant has been identified in the homozygous state and/or in conjunction with other SLC2A10 variant(s) in individual(s) with features consistent with arterial tortuosity syndrome (Hardin JS et al. Ophthalmic Genet, 2018 Jul;39:29-34; Ambry internal data). This amino acid position is not well conserved in available vertebrate species. In addition, this alteration is predicted to be deleterious by in silico analysis. This variant is considered to be rare based on population cohorts in the Genome Aggregation Database (gnomAD). Based on the majority of available evidence to date, this variant is likely to be pathogenic.

GeneDx
Classification: Likely pathogenic. Last evaluated: 2025-07-01. Review status: criteria provided, single submitter. Criteria: GeneDx Variant Classification Process June 2021. Collection method: clinical testing. Allele origin: germline. Affected: yes.
Comment: Reported in two individuals from the same family with spontaneous coronary artery dissection (SCAD) in published literature (PMID: 38265806); Not observed at significant frequency in large population cohorts (gnomAD); In silico analysis suggests that this missense variant does not alter protein structure/function; This variant is associated with the following publications: (PMID: 23142374, 28726533, 38265806)

Mayo Clinic Laboratories, Mayo Clinic
Classification: Uncertain significance. Last evaluated: 2024-07-17. Review status: criteria provided, single submitter. Criteria: ACMG Guidelines, 2015. Collection method: clinical testing. Allele origin: germline. Observed: 1 variant allele.
Comment: PM3_supporting

Blueprint Genetics
Classification: Likely pathogenic for SLC2A10-related disorders. Last evaluated: 2022-12-19. Review status: criteria provided, single submitter. Criteria: ACMG Guidelines, 2015. Collection method: clinical testing. Allele origin: germline. Affected: yes. Observed: 2 variant alleles.

Labcorp Genetics (formerly Invitae), Labcorp
Classification: Uncertain significance for Arterial tortuosity syndrome. Last evaluated: 2022-03-22. Review status: criteria provided, single submitter. Criteria: Invitae Variant Classification Sherloc (09022015). Collection method: clinical testing. Allele origin: germline.
Comment: This sequence change replaces alanine, which is neutral and non-polar, with aspartic acid, which is acidic and polar, at codon 283 of the SLC2A10 protein (p.Ala283Asp). This variant is present in population databases (rs145994112, gnomAD 0.008%). This missense change has been observed in individual(s) with arterial tortuosity syndrome (PMID: 28726533). ClinVar contains an entry for this variant (Variation ID: 213748). Advanced modeling of protein sequence and biophysical properties (such as structural, functional, and spatial information, amino acid conservation, physicochemical variation, residue mobility, and thermodynamic stability) performed at Invitae indicates that this missense variant is expected to disrupt SLC2A10 protein function. In summary, the available evidence is currently insufficient to determine the role of this variant in disease. Therefore, it has been classified as a Variant of Uncertain Significance.

Literature cited by the submitters: PubMed 28726533 (cited by 4 submitters); PubMed 38265806 (cited by Women's Health and Genetics/Laboratory Corporation of America, LabCorp and Mayo Clinic Laboratories, Mayo Clinic).